The following is an entry in ClinVar:

NM_007294.4(BRCA1):c.5256A>C (p.Ala1752=)

Gene: BRCA1 (BRCA1 DNA repair associated; minus strand). Cytogenetic location: 17q21.31.
Variant type: single nucleotide variant.
Coding change: c.5256A>C on transcript NM_007294.4 (MANE Select); coding-DNA position 5256, A replaced by C.
Protein change: p.Ala1752=; no amino-acid change (alanine 1752 retained).
Molecular consequence: synonymous variant.
Genome position (GRCh38, 1-based): chr17:43,057,073, T>G on the plus strand (A>C on the coding strand, the complement: BRCA1 is on the minus strand). VCF-style: chr17-43057073-T-G. GRCh37 (hg19) VCF-style: chr17-41209090-T-G.
Other names: A1752A; c.5043A>C, p.Ala1681= (NM_001407571.1, NM_001407894.1, NM_001407895.1 and 12 more transcripts); c.5322A>C, p.Ala1774= (NM_001407581.1, NM_001407582.1); c.5319A>C, p.Ala1773= (NM_001407583.1, NM_001407585.1, NM_001407587.1 and 1 more transcripts); c.5316A>C, p.Ala1772= (NM_001407590.1, NM_001407591.1); c.5256A>C, p.Ala1752= (NM_001407593.1, NM_001407594.1, NM_001407596.1 and 7 more transcripts); c.5253A>C, p.Ala1751= (NM_001407610.1, NM_001407611.1, NM_001407612.1 and 17 more transcripts); c.1821A>C, p.Ala607= (NM_001408441.1, NM_001408442.1, NM_001408443.1 and 10 more transcripts); and 73 more.
Identifiers: ClinVar variation 55485 (VCV000055485.6), dbSNP rs80356844, ClinGen allele CA003396.

ClinVar aggregate classification (germline): Likely benign. Review status: reviewed by expert panel (3 of 4 stars). 2 submissions from 2 submitters: Likely benign (1). 1 of the submissions does not count toward it. Last evaluated 2017-06-29.

Conditions:
Breast-ovarian cancer, familial, susceptibility to, 1 (BROVCA1). Also called: BRCA1 Hereditary Breast and Ovarian Cancer; OVARIAN CANCER, SUSCEPTIBILITY TO. Identifiers: Orphanet 145, MedGen C2676676, MONDO:0011450, OMIM 604370. Disease mechanism: loss of function.

Submissions (3):

Evidence-based Network for the Interpretation of Germline Mutant Alleles (ENIGMA)
Classification: Likely benign for Breast-ovarian cancer, familial, susceptibility to, 1. Last evaluated: 2017-06-29. Review status: reviewed by expert panel. Criteria: ENIGMA BRCA1/2 Classification Criteria (2017-06-29). Collection method: curation. Allele origin: germline.
Comment: Synonymous substitution variant, with low bioinformatic likelihood to result in a splicing aberration (Splicing prior probability 0.02).

Breast Cancer Information Core (BIC) (BRCA1)
Classification: Uncertain significance for Breast-ovarian cancer, familial 1. Last evaluated: 2002-08-23. Review status: no assertion criteria provided. Collection method: clinical testing. Allele origin: germline. Affected: yes. Observed: 1 variant allele. Not counted in ClinVar's aggregate classification.

Brotman Baty Institute, University of Washington
No classification provided (evidence only). Condition: Breast-ovarian cancer, familial 1. Review status: no classification provided. Collection method: in vitro. Allele origin: not applicable. Functional consequence: functionally_normal. Not counted in ClinVar's aggregate classification.
ClinVar note: "not provided" was previously submitted as the classification for the variant. However, the classification appeared to be based only on an observation of functional data so it was converted to no classification on 2025-07-30.

Literature cited by the submitters: Ladopolou-et-al.,-Cancer-Lett,-185:61,-2002 (cited by Breast Cancer Information Core (BIC) (BRCA1)).